The following is an entry in ClinVar:

ClinVar aggregate classification (germline): Uncertain significance (1 of 4 stars; one submission).

Submission:

GeneDx
Classification: Uncertain significance. Last evaluated: 2024-07-10. Review status: criteria provided, single submitter. Criteria: GeneDx Variant Classification Process June 2021. Collection method: clinical testing. Allele origin: germline. Affected: yes.
Comment: Not observed at significant frequency in large population cohorts (gnomAD); In silico analysis supports that this missense variant has a deleterious effect on protein structure/function; Has not been previously published as pathogenic or benign to our knowledge

NM_001046.3(SLC12A2):c.3558G>T (p.Trp1186Cys)

Gene: SLC12A2 (solute carrier family 12 member 2; plus strand). Cytogenetic location: 5q23.3.
Variant type: single nucleotide variant.
Coding change: c.3558G>T on transcript NM_001046.3 (MANE Select); coding-DNA position 3558, G replaced by T.
Protein change: p.Trp1186Cys; replaces tryptophan 1186 with cysteine.
Molecular consequence: missense variant. On other transcripts: non-coding transcript variant (1).
Genome position (GRCh38, 1-based): chr5:128,186,550, G>T. VCF-style: chr5-128186550-G-T. GRCh37 (hg19) VCF-style: chr5-127522242-G-T.
Other names: c.3510G>T, p.Trp1170Cys (NM_001256461.2); short protein forms W1170C, W1186C.
Identifiers: ClinVar variation 3572667 (VCV003572667.1).